The following is an entry in ClinVar:

NM_000196.4(HSD11B2):c.664+15C>A

Gene: HSD11B2 (hydroxysteroid 11-beta dehydrogenase 2; plus strand). Cytogenetic location: 16q22.1.
Variant type: single nucleotide variant.
Coding change: c.664+15C>A on transcript NM_000196.4 (MANE Select); 15 bases into the intron after coding-DNA position 664, C replaced by A.
Molecular consequence: intron variant.
Genome position (GRCh38, 1-based): chr16:67,436,157, C>A. VCF-style: chr16-67436157-C-A. GRCh37 (hg19) VCF-style: chr16-67470060-C-A.
Identifiers: ClinVar variation 3057334 (VCV003057334.2), dbSNP rs764517506, ClinGen allele CA8110689.
Genomic context (GRCh38, chr16:67,436,157, plus strand): 5'-CTGCGCAGCTCAAGGGGCCGCATCGTGACTGTGGGGAGCCCAGCGGGTGAGTGCCCCCCC[C>A]CACTGGAGCAAAAAGGAGCCCCCTGGGGTGGGGGAGGGCTTAGGGAGCCCCTTGCCAAAG-3'

ClinVar aggregate classification (germline): Likely benign (0 of 4 stars; one submission).

Conditions:
HSD11B2-related disorder. Also called: HSD11B2-related condition.

Submission:

PreventionGenetics, part of Exact Sciences
Classification: Likely benign for HSD11B2-related condition. Last evaluated: 2019-02-20. Review status: no assertion criteria provided. Collection method: clinical testing. Allele origin: germline.
Comment: This variant is classified as likely benign based on ACMG/AMP sequence variant interpretation guidelines (Richards et al. 2015 PMID: 25741868, with internal and published modifications).